The following is an entry in ClinVar:

NM_016219.5(MAN1B1):c.1157C>T (p.Pro386Leu)

Gene: MAN1B1 (mannosidase alpha class 1B member 1; plus strand). Cytogenetic location: 9q34.3.
Variant type: single nucleotide variant.
Coding change: c.1157C>T on transcript NM_016219.5 (MANE Select); coding-DNA position 1157, C replaced by T.
Protein change: p.Pro386Leu; replaces proline 386 with leucine.
Molecular consequence: missense variant. On other transcripts: non-coding transcript variant (2).
Genome position (GRCh38, 1-based): chr9:137,101,575, C>T. VCF-style: chr9-137101575-C-T. GRCh37 (hg19) VCF-style: chr9-139996027-C-T.
Other names: c.1049C>T, p.Pro350Leu (NM_007230.1); short protein forms P350L, P386L.
Identifiers: ClinVar variation 2175288 (VCV002175288.4), dbSNP rs748938366, ClinGen allele CA5358929.

ClinVar aggregate classification (germline): Uncertain significance (1 of 4 stars; one submission).

Conditions:
Rafiq syndrome (RAFQS). Identifiers: Orphanet 88616, MedGen C3280127, MONDO:0013624, OMIM 614202.

Allele frequency attached by ClinVar (database versions not stated): gnomAD 0.00001; TOPMed 0.00001.
gnomAD v4.1: 48 of 1,613,744 alleles (0.003%); highest among the groups gnomAD compares: Non-Finnish European, 0.0038%; no homozygotes.

Submission:

Labcorp Genetics (formerly Invitae), Labcorp
Classification: Uncertain significance for Rafiq syndrome. Last evaluated: 2022-01-03. Review status: criteria provided, single submitter. Criteria: Invitae Variant Classification Sherloc (09022015). Collection method: clinical testing. Allele origin: germline.
Comment: This sequence change replaces proline, which is neutral and non-polar, with leucine, which is neutral and non-polar, at codon 386 of the MAN1B1 protein (p.Pro386Leu). This variant is present in population databases (rs748938366, gnomAD 0.005%). This variant has not been reported in the literature in individuals affected with MAN1B1-related conditions. Algorithms developed to predict the effect of missense changes on protein structure and function are either unavailable or do not agree on the potential impact of this missense change (SIFT: "Deleterious"; PolyPhen-2: "Possibly Damaging"; Align-GVGD: "Class C0"). In summary, the available evidence is currently insufficient to determine the role of this variant in disease. Therefore, it has been classified as a Variant of Uncertain Significance.